The following is an entry in ClinVar:

ClinVar aggregate classification (germline): Uncertain significance (1 of 4 stars; one submission).

Submission:

CeGaT Center for Human Genetics Tuebingen
Classification: Uncertain significance. Last evaluated: 2025-09-01. Review status: criteria provided, single submitter. Criteria: CeGaT Center For Human Genetics Tuebingen Variant Classification Criteria Version 2. Collection method: clinical testing. Allele origin: germline. Affected: yes. Observed: 2 variant alleles.
Comment: SOS1: PM2, PVS1:Moderate

NM_001382394.1(SOS1):c.64A>T (p.Lys22Ter)

Gene: SOS1 (SOS Ras/Rac guanine nucleotide exchange factor 1; minus strand). Cytogenetic location: 2p22.1.
Variant type: single nucleotide variant.
Coding change: c.64A>T on transcript NM_001382394.1; coding-DNA position 64, A replaced by T.
Protein change: p.Lys22Ter; replaces lysine 22 with a stop codon.
Molecular consequence: nonsense.
Genome position (GRCh38, 1-based): chr2:39,124,666, T>A on the plus strand (A>T on the coding strand, the complement: SOS1 is on the minus strand). VCF-style: chr2-39124666-T-A. GRCh37 (hg19) VCF-style: chr2-39351807-T-A.
Other names: short protein forms K22*.
Identifiers: ClinVar variation 4534863 (VCV004534863.6).